The following is an entry in ClinVar:

NM_004304.5(ALK):c.931C>A (p.Arg311Ser)

Gene: ALK (ALK receptor tyrosine kinase; minus strand). Cytogenetic location: 2p23.2.
Variant type: single nucleotide variant.
Coding change: c.931C>A on transcript NM_004304.5 (MANE Select); coding-DNA position 931, C replaced by A.
Protein change: p.Arg311Ser; replaces arginine 311 with serine.
Molecular consequence: missense variant.
Genome position (GRCh38, 1-based): chr2:29,694,871, G>T on the plus strand (C>A on the coding strand, the complement: ALK is on the minus strand). VCF-style: chr2-29694871-G-T. GRCh37 (hg19) VCF-style: chr2-29917737-G-T.
Other names: short protein forms R311S.
Identifiers: ClinVar variation 644699 (VCV000644699.11), dbSNP rs149837139, ClinGen allele CA1594811.

ClinVar aggregate classification (germline): Conflicting classifications of pathogenicity. Review status: criteria provided, conflicting classifications (1 of 4 stars). 2 submissions from 2 submitters: Uncertain significance (1); Likely benign (1). Last evaluated 2025-05-27.

Conditions:
Neuroblastoma, susceptibility to, 3. Also called: ALK-Related Neuroblastic Tumor Susceptibility. Identifiers: Orphanet 635, MedGen C2751681, MONDO:0013083, OMIM 613014.
Hereditary cancer-predisposing syndrome. Also called: Neoplastic Syndromes, Hereditary; Hereditary Cancer Syndrome; Hereditary neoplastic syndrome; Tumor predisposition. Identifiers: Orphanet 140162, MedGen C0027672, MeSH D009386, MONDO:0015356.

Allele frequency attached by ClinVar (database versions not stated): TOPMed 0.00002.
gnomAD v4.1: 9 of 1,613,840 alleles (0.00056%); highest among the groups gnomAD compares: East Asian, 0.0045%; no homozygotes.

Submissions (2):

Labcorp Genetics (formerly Invitae), Labcorp
Classification: Uncertain significance for Neuroblastoma, susceptibility to, 3. Last evaluated: 2025-05-27. Review status: criteria provided, single submitter. Criteria: Invitae Variant Classification Sherloc (09022015). Collection method: clinical testing. Allele origin: germline.
Comment: This sequence change replaces arginine, which is basic and polar, with serine, which is neutral and polar, at codon 311 of the ALK protein (p.Arg311Ser). This variant is present in population databases (rs149837139, gnomAD 0.01%). This variant has not been reported in the literature in individuals affected with ALK-related conditions. ClinVar contains an entry for this variant (Variation ID: 644699). An algorithm developed to predict the effect of missense changes on protein structure and function (PolyPhen-2) suggests that this variant is likely to be tolerated. In summary, the available evidence is currently insufficient to determine the role of this variant in disease. Therefore, it has been classified as a Variant of Uncertain Significance.

Ambry Genetics
Classification: Likely benign for Hereditary cancer-predisposing syndrome. Last evaluated: 2025-03-05. Review status: criteria provided, single submitter. Criteria: Ambry Variant Classification Scheme 2023. Collection method: clinical testing. Allele origin: germline.